The following is an entry in ClinVar:

ClinVar aggregate classification (germline): Uncertain significance (1 of 4 stars; one submission).

gnomAD v4.1: 2 of 1,608,236 alleles (0.00012%); highest among the groups gnomAD compares: Non-Finnish European, 0.00017%; no homozygotes.

Submission:

GeneDx
Classification: Uncertain significance. Last evaluated: 2025-05-09. Review status: criteria provided, single submitter. Criteria: GeneDx Variant Classification Process June 2021. Collection method: clinical testing. Allele origin: germline. Affected: yes.
Comment: Not observed at significant frequency in large population cohorts (gnomAD); In silico analysis suggests that this missense variant does not alter protein structure/function; Has not been previously published as pathogenic or benign to our knowledge

NM_000170.3(GLDC):c.2470A>C (p.Lys824Gln)

Gene: GLDC (glycine decarboxylase; minus strand). Cytogenetic location: 9p24.1.
Variant type: single nucleotide variant.
Coding change: c.2470A>C on transcript NM_000170.3 (MANE Select); coding-DNA position 2470, A replaced by C.
Protein change: p.Lys824Gln; replaces lysine 824 with glutamine.
Molecular consequence: missense variant.
Genome position (GRCh38, 1-based): chr9:6,550,902, T>G on the plus strand (A>C on the coding strand, the complement: GLDC is on the minus strand). VCF-style: chr9-6550902-T-G. GRCh37 (hg19) VCF-style: chr9-6550902-T-G.
Other names: short protein forms K824Q.
Identifiers: ClinVar variation 4527965 (VCV004527965.1).